The following is an entry in ClinVar:

NM_198428.3(BBS9):c.2494G>C (p.Ala832Pro)

Gene: BBS9 (Bardet-Biedl syndrome 9; plus strand). Cytogenetic location: 7p14.3.
Variant type: single nucleotide variant.
Coding change: c.2494G>C on transcript NM_198428.3 (MANE Select); coding-DNA position 2494, G replaced by C.
Protein change: p.Ala832Pro; replaces alanine 832 with proline.
Molecular consequence: missense variant. On other transcripts: non-coding transcript variant (3).
Genome position (GRCh38, 1-based): chr7:33,534,149, G>C. VCF-style: chr7-33534149-G-C. GRCh37 (hg19) VCF-style: chr7-33573761-G-C.
Other names: c.2389G>C, p.Ala797Pro (NM_001033604.2); c.2479G>C, p.Ala827Pro (NM_001033605.2); c.2494G>C, p.Ala832Pro (NM_001348036.1, NM_001348041.4, NM_001348043.3 and 3 more transcripts); c.1945G>C, p.Ala649Pro (NM_001348037.3); c.2221G>C, p.Ala741Pro (NM_001348038.3); c.2116G>C, p.Ala706Pro (NM_001348039.3); c.2374G>C, p.Ala792Pro (NM_001348040.3, NM_014451.4); c.2359G>C, p.Ala787Pro (NM_001348042.3); and 2 more; short protein forms A706P, A787P, A649P, A832P, A710P, A741P, A675P, A792P.
Identifiers: ClinVar variation 2077999 (VCV002077999.1), dbSNP rs751542968, ClinGen allele CA4214702.

ClinVar aggregate classification (germline): Uncertain significance (1 of 4 stars; one submission).

Conditions:
Bardet-Biedl syndrome (BBS). Identifiers: Orphanet 110, MedGen C0752166, MONDO:0015229.

Allele frequency attached by ClinVar (database versions not stated): TOPMed below 0.00001; ExAC 0.00001; gnomAD exomes 0.00001.
gnomAD v4.1: 13 of 1,614,170 alleles (0.00081%); highest among the groups gnomAD compares: South Asian, 0.0022%; no homozygotes.

Submission:

Labcorp Genetics (formerly Invitae), Labcorp
Classification: Uncertain significance for Bardet-Biedl syndrome. Last evaluated: 2022-02-01. Review status: criteria provided, single submitter. Criteria: Invitae Variant Classification Sherloc (09022015). Collection method: clinical testing. Allele origin: germline.
Comment: This sequence change replaces alanine, which is neutral and non-polar, with proline, which is neutral and non-polar, at codon 832 of the BBS9 protein (p.Ala832Pro). This variant is present in population databases (rs751542968, gnomAD 0.003%). This variant has not been reported in the literature in individuals affected with BBS9-related conditions. Algorithms developed to predict the effect of missense changes on protein structure and function are either unavailable or do not agree on the potential impact of this missense change (SIFT: "Deleterious"; PolyPhen-2: "Benign"; Align-GVGD: "Class C0"). In summary, the available evidence is currently insufficient to determine the role of this variant in disease. Therefore, it has been classified as a Variant of Uncertain Significance.